The following is an entry in ClinVar:

ClinVar aggregate classification (germline): Uncertain significance (1 of 4 stars; one submission).

Conditions:
Inborn genetic diseases. Identifiers: MedGen C0950123, MeSH D030342.

Allele frequency attached by ClinVar (database versions not stated): gnomAD 0.00001; gnomAD exomes 0.00001; ExAC 0.00003.
gnomAD v4.1: 6 of 1,605,062 alleles (0.00037%); highest among the groups gnomAD compares: East Asian, 0.013%; no homozygotes.

Submission:

Ambry Genetics
Classification: Uncertain significance for Inborn genetic diseases. Last evaluated: 2024-10-11. Review status: criteria provided, single submitter. Criteria: Ambry Variant Classification Scheme 2023. Collection method: clinical testing. Allele origin: germline.
Comment: The p.K2515E variant (also known as c.7543A>G), located in coding exon 51 of the LRRK2 gene, results from an A to G substitution at nucleotide position 7543. The lysine at codon 2515 is replaced by glutamic acid, an amino acid with similar properties. This amino acid position is conserved. In addition, this alteration is predicted to be tolerated by in silico analysis. Since supporting evidence is limited at this time, the clinical significance of this alteration remains unclear.

NM_198578.4(LRRK2):c.7543A>G (p.Lys2515Glu)

Gene: LRRK2 (leucine rich repeat kinase 2; plus strand). Cytogenetic location: 12q12.
Variant type: single nucleotide variant.
Coding change: c.7543A>G on transcript NM_198578.4 (MANE Select); coding-DNA position 7543, A replaced by G.
Protein change: p.Lys2515Glu; replaces lysine 2515 with glutamic acid.
Molecular consequence: missense variant.
Genome position (GRCh38, 1-based): chr12:40,367,724, A>G. VCF-style: chr12-40367724-A-G. GRCh37 (hg19) VCF-style: chr12-40761526-A-G.
Other names: short protein forms K2515E.
Identifiers: ClinVar variation 1759451 (VCV001759451.3), dbSNP rs781166868, ClinGen allele CA6514976.
Genomic context (GRCh38, chr12:40,367,724, plus strand): 5'-GTTTGGGACATCAATCTTCCACATGAAGTGCAAAATTTAGAAAAACACATTGAAGTGAGA[A>G]AAGAATTAGCTGAAAAAATGAGACGAACATCTGTTGAGTAAGAGAGAAATAGGAATTGTC-3'
Protein context (NP_940980.4, residues 2505-2525): QNLEKHIEVR[Lys2515Glu]ELAEKMRRTS